The following is an entry in ClinVar:

ClinVar aggregate classification (germline): Likely benign (1 of 4 stars; one submission).

gnomAD v4.1: 335 of 678,484 alleles (0.049%); highest among the groups gnomAD compares: Middle Eastern, 0.91%; no homozygotes.

Submission:

CeGaT Center for Human Genetics Tuebingen
Classification: Likely benign. Last evaluated: 2026-06-01. Review status: criteria provided, single submitter. Criteria: CeGaT Center For Human Genetics Tuebingen Variant Classification Criteria Version 2. Collection method: clinical testing. Allele origin: germline. Affected: yes. Observed: 2 variant alleles.
Comment: EED: BS1

NM_003797.5(EED):c.-125G>C

Gene: EED (embryonic ectoderm development; plus strand). Cytogenetic location: 11q14.2.
Variant type: single nucleotide variant.
Coding change: c.-125G>C on transcript NM_003797.5 (MANE Select); 125 bases upstream of the start codon, G replaced by C.
Molecular consequence: 5 prime UTR variant.
Genome position (GRCh38, 1-based): chr11:86,245,105, G>C. VCF-style: chr11-86245105-G-C. GRCh37 (hg19) VCF-style: chr11-85956147-G-C.
Other names: c.-125G>C (NM_001308007.2, NM_001330334.2).
Identifiers: ClinVar variation 3904874 (VCV003904874.10).
Genomic context (GRCh38, chr11:86,245,105, plus strand): 5'-GCAGTGTGGCGGGGTCGCACGCACGCCCGCCTCGGCGGCTGGGCGCGATTTGCGACAGTG[G>C]GGGGGGCGGTGGAGGTGGCGGCGGCAGCGGCAACTTTGCGGCAAGCTCGGGCCGGGCTTG-3'